The following is an entry in ClinVar:

ClinVar aggregate classification (germline): Uncertain significance. Review status: criteria provided, multiple submitters, no conflicts (2 of 4 stars). 4 submissions from 4 submitters: Uncertain significance (4). Last evaluated 2026-06-15.

Conditions:
ESPN-related disorder. Also called: ESPN-related condition.
Inborn genetic diseases. Identifiers: MedGen C0950123, MeSH D030342.

Allele frequency attached by ClinVar (database versions not stated): ExAC 0.00004; ESP Exome Variant Server 0.00008.
gnomAD v4.1: 26 of 1,613,078 alleles (0.0016%); highest among the groups gnomAD compares: Middle Eastern, 0.016%; no homozygotes.

Submissions (4):

PreventionGenetics, part of Exact Sciences
Classification: Uncertain significance for ESPN-related condition. Last evaluated: 2026-06-15. Review status: criteria provided, single submitter. Criteria: ACMG Guidelines, 2015. Collection method: clinical testing. Allele origin: germline.
Comment: The ESPN c.1946C>T variant is predicted to result in the amino acid substitution p.Thr649Met. To our knowledge, this variant has not been reported in the literature. This variant is reported in 0.013% of alleles in individuals of South Asian descent in gnomAD. At this time, the clinical significance of this variant is uncertain due to the absence of conclusive functional and genetic evidence.

Ambry Genetics
Classification: Uncertain significance for Inborn genetic diseases. Last evaluated: 2025-01-21. Review status: criteria provided, single submitter. Criteria: Ambry Variant Classification Scheme 2023. Collection method: clinical testing. Allele origin: germline.

Blueprint Genetics
Classification: Uncertain significance. Last evaluated: 2024-01-12. Review status: criteria provided, single submitter. Criteria: ACMG Guidelines, 2015. Collection method: clinical testing. Allele origin: germline.

Labcorp Genetics (formerly Invitae), Labcorp
Classification: Uncertain significance. Last evaluated: 2022-05-16. Review status: criteria provided, single submitter. Criteria: Invitae Variant Classification Sherloc (09022015). Collection method: clinical testing. Allele origin: germline.
Comment: In summary, the available evidence is currently insufficient to determine the role of this variant in disease. Therefore, it has been classified as a Variant of Uncertain Significance. Algorithms developed to predict the effect of missense changes on protein structure and function (SIFT, PolyPhen-2, Align-GVGD) all suggest that this variant is likely to be disruptive. This variant has not been reported in the literature in individuals affected with ESPN-related conditions. This variant is present in population databases (rs373536201, gnomAD 0.01%). This sequence change replaces threonine, which is neutral and polar, with methionine, which is neutral and non-polar, at codon 649 of the ESPN protein (p.Thr649Met).

NM_031475.3(ESPN):c.1946C>T (p.Thr649Met)

Gene: ESPN (espin; plus strand). Cytogenetic location: 1p36.31.
Variant type: single nucleotide variant.
Coding change: c.1946C>T on transcript NM_031475.3 (MANE Select); coding-DNA position 1946, C replaced by T.
Protein change: p.Thr649Met; replaces threonine 649 with methionine.
Molecular consequence: missense variant.
Genome position (GRCh38, 1-based): chr1:6,451,633, C>T. VCF-style: chr1-6451633-C-T. GRCh37 (hg19) VCF-style: chr1-6511693-C-T.
Other names: c.1856C>T, p.Thr619Met (NM_001367473.1); c.1883C>T, p.Thr628Met (NM_001367474.1); c.1946C>T (NM_031475.2); short protein forms T628M, T649M, T619M.
Identifiers: ClinVar variation 1933207 (VCV001933207.7), dbSNP rs373536201, ClinGen allele CA560324.